The following is an entry in ClinVar:

ClinVar aggregate classification (germline): Uncertain significance (1 of 4 stars; one submission).

Conditions:
PCNT-related disorder. Also called: PCNT-related condition.

gnomAD v4.1: 6 of 1,562,286 alleles (0.00038%); highest among the groups gnomAD compares: East Asian, 0.0024%; no homozygotes.

Submission:

PreventionGenetics, part of Exact Sciences
Classification: Uncertain significance for PCNT-related condition. Last evaluated: 2026-01-28. Review status: criteria provided, single submitter. Criteria: ACMG Guidelines, 2015. Collection method: clinical testing. Allele origin: germline.
Comment: The PCNT c.7987C>T variant is predicted to result in the amino acid substitution p.Arg2663Cys. To our knowledge, this variant has not been reported in the literature. This variant is reported in 0.0014% of alleles in individuals of European (Non-Finnish) descent in gnomAD. At this time, the clinical significance of this variant is uncertain due to the absence of conclusive functional and genetic evidence.

NM_006031.6(PCNT):c.7987C>T (p.Arg2663Cys)

Gene: PCNT (pericentrin; plus strand). Cytogenetic location: 21q22.3.
Variant type: single nucleotide variant.
Coding change: c.7987C>T on transcript NM_006031.6 (MANE Select); coding-DNA position 7987, C replaced by T.
Protein change: p.Arg2663Cys; replaces arginine 2663 with cysteine.
Molecular consequence: missense variant.
Genome position (GRCh38, 1-based): chr21:46,430,580, C>T. VCF-style: chr21-46430580-C-T. GRCh37 (hg19) VCF-style: chr21-47850494-C-T.
Other names: c.7633C>T, p.Arg2545Cys (NM_001315529.2); short protein forms R2545C, R2663C.
Identifiers: ClinVar variation 4979581 (VCV004979581.1).